The following is an entry in ClinVar:

NM_001142800.2(EYS):c.8751_8754del (p.Asn2918fs)

Genes: EYS (EGF-like photoreceptor maintenance factor; minus strand), PHF3 (PHD finger protein 3; plus strand). Cytogenetic location: 6q12.
Variant type: Deletion.
Coding change: c.8751_8754del on transcript NM_001142800.2 (MANE Select); coding-DNA positions 8751 to 8754, 4 bases deleted (GAAT; older notation c.8751_8754delGAAT).
Protein change: p.Asn2918fs; shifts the reading frame from asparagine 2918.
Molecular consequence: frameshift variant. On other transcripts: 3 prime UTR variant (5).
Genome position (GRCh38, 1-based): chr6:63,721,277-63,721,280, ATTC deleted on the plus strand (GAAT on the coding strand, the reverse complement: EYS is on the minus strand); deleting any 4 consecutive bases within chr6:63,721,277-63,721,281 gives the same sequence; the c. name uses the placement nearest the transcript's 3' end. VCF-style (leftmost placement, unchanged base first): chr6-63721276-TATTC-T. GRCh37 (hg19) VCF-style: chr6-64431172-TATTC-T.
Other names: c.8751_8754delGAAT (NM_001142800.1); c.*7570_*7573del (NM_001290259.2, NM_001370348.2, NM_001370349.2 and 2 more transcripts); c.8814_8817del, p.Asn2939fs (NM_001292009.2); short protein forms N2939fs, N2918fs.
Identifiers: ClinVar variation 2093201 (VCV002093201.7), dbSNP rs2533389962, ClinGen allele CA2580075647.

ClinVar aggregate classification (germline): Pathogenic/Likely pathogenic. Review status: criteria provided, multiple submitters, no conflicts (2 of 4 stars). 4 submissions from 4 submitters: Pathogenic (1); Likely pathogenic (3). Last evaluated 2024-10-25.

Conditions:
EYS-related disorder. Also called: EYS-related condition.
Retinitis pigmentosa 25 (RP25). Identifiers: Orphanet 791, MedGen C1864446, MONDO:0011272, OMIM 602772.

Submissions (4):

Natera, Inc.
Classification: Likely pathogenic for Retinitis pigmentosa type 25. Last evaluated: 2024-10-25. Review status: criteria provided, single submitter. Criteria: Natera Variant Classification Schema (03/2026). Collection method: clinical testing. Allele origin: germline.
Comment: The c.8751_8754delGAAT variant in EYS is a frameshift variant predicted to shift the reading frame beginning at codon 2918 and leads to a stop codon 56 codons downstream. This variant is expected to result in nonsense mediated decay, truncation, or a dysfunctional protein product. This variant is rare in the general population with a frequency below the threshold expected for the associated phenotype(s). Given the available evidence, this variant is classified as Likely Pathogenic.

Baylor Genetics
Classification: Likely pathogenic for Retinitis pigmentosa 25. Last evaluated: 2023-06-27. Review status: criteria provided, single submitter. Criteria: ACMG Guidelines, 2015. Collection method: clinical testing. Allele origin: unknown.

Labcorp Genetics (formerly Invitae), Labcorp
Classification: Pathogenic. Last evaluated: 2022-02-04. Review status: criteria provided, single submitter. Criteria: Invitae Variant Classification Sherloc (09022015). Collection method: clinical testing. Allele origin: germline.
Comment: For these reasons, this variant has been classified as Pathogenic. This variant disrupts a region of the EYS protein in which other variant(s) (p.Tyr3135*) have been determined to be pathogenic (PMID: 18976725, 29159838, 30337596, 31074760). This suggests that this is a clinically significant region of the protein, and that variants that disrupt it are likely to be disease-causing. This variant has not been reported in the literature in individuals affected with EYS-related conditions. This variant is not present in population databases (gnomAD no frequency). This sequence change creates a premature translational stop signal (p.Asn2918Ilefs*56) in the EYS gene. While this is not anticipated to result in nonsense mediated decay, it is expected to disrupt the last 227 amino acid(s) of the EYS protein.

Blueprint Genetics
Classification: Likely pathogenic for EYS-related disorders. Last evaluated: 2018-05-04. Review status: criteria provided, single submitter. Criteria: ACMG Guidelines, 2015. Collection method: clinical testing. Allele origin: germline. Affected: yes. Observed: 1 variant allele.

Literature cited by the submitters: PubMed 18976725 (cited by Labcorp Genetics (formerly Invitae), Labcorp); PubMed 29159838 (cited by Labcorp Genetics (formerly Invitae), Labcorp); PubMed 30337596 (cited by Labcorp Genetics (formerly Invitae), Labcorp); PubMed 31074760 (cited by Labcorp Genetics (formerly Invitae), Labcorp).